The following is an entry in ClinVar:

NM_006031.6(PCNT):c.3628T>C (p.Trp1210Arg)

Gene: PCNT (pericentrin; plus strand). Cytogenetic location: 21q22.3.
Variant type: single nucleotide variant.
Coding change: c.3628T>C on transcript NM_006031.6 (MANE Select); coding-DNA position 3628, T replaced by C.
Protein change: p.Trp1210Arg; replaces tryptophan 1210 with arginine.
Molecular consequence: missense variant.
Genome position (GRCh38, 1-based): chr21:46,389,219, T>C. VCF-style: chr21-46389219-T-C. GRCh37 (hg19) VCF-style: chr21-47809134-T-C.
Other names: c.3274T>C, p.Trp1092Arg (NM_001315529.2); short protein forms W1092R, W1210R.
Identifiers: ClinVar variation 5001156 (VCV005001156.1).

ClinVar aggregate classification (germline): Uncertain significance (1 of 4 stars; one submission).

Conditions:
PCNT-related disorder. Also called: PCNT-related condition.

gnomAD v4.1: 2 of 1,614,132 alleles (0.00012%); highest among the groups gnomAD compares: African/African-American, 0.0027%; no homozygotes.

Submission:

PreventionGenetics, part of Exact Sciences
Classification: Uncertain significance for PCNT-related condition. Last evaluated: 2025-05-08. Review status: criteria provided, single submitter. Criteria: ACMG Guidelines, 2015. Collection method: clinical testing. Allele origin: germline.
Comment: The PCNT c.3628T>C variant is predicted to result in the amino acid substitution p.Trp1210Arg. To our knowledge, this variant has not been reported in the literature. This variant is reported in 0.0062% of alleles in individuals of African descent in gnomAD. At this time, the clinical significance of this variant is uncertain due to the absence of conclusive functional and genetic evidence.